The following is an entry in ClinVar:

NM_017763.6(RNF43):c.501T>C (p.Asn167=)

Gene: RNF43 (ring finger protein 43; minus strand). Cytogenetic location: 17q22.
Variant type: single nucleotide variant.
Coding change: c.501T>C on transcript NM_017763.6 (MANE Select); coding-DNA position 501, T replaced by C.
Protein change: p.Asn167=; no amino-acid change (asparagine 167 retained).
Molecular consequence: synonymous variant.
Genome position (GRCh38, 1-based): chr17:58,363,356, A>G on the plus strand (T>C on the coding strand, the complement: RNF43 is on the minus strand). VCF-style: chr17-58363356-A-G. GRCh37 (hg19) VCF-style: chr17-56440717-A-G.
Other names: c.501T>C, p.Asn167= (NM_001305544.3, NM_001438820.1, NM_001438821.1 and 1 more transcripts); c.120T>C, p.Asn40= (NM_001305545.2, NM_001437987.1); c.501T>C (NM_017763.4).
Identifiers: ClinVar variation 4875714 (VCV004875714.2).
Genomic context (GRCh38, chr17:58,363,356, plus strand): 5'-CTCAATCCTCACATGGGCCTTTTGGTTCTTGTACACAAACTCCATCAGCTTCTCAGCGTC[A>G]TTACCCCAGATCAACACCACTGGCCAGGTCAGCCCCAGCGGCTGCTGCAGCTACAGGGGG-3'
Protein context (NP_060233.3, residues 157-177): LTWPVVLIWG[Asn167=]DAEKLMEFVY

ClinVar aggregate classification (germline): Benign/Likely benign. Review status: criteria provided, multiple submitters, no conflicts (2 of 4 stars). 2 submissions from 2 submitters: Benign (1); Likely benign (1). Last evaluated 2026-09-06.

Conditions:
Sessile serrated polyposis cancer syndrome (SSPCS). Identifiers: Orphanet 157798, MedGen C4310714, MONDO:0014919, OMIM 617108.

Submissions (2):

Ambry Genetics
Classification: Likely benign. Last evaluated: 2026-09-06. Review status: criteria provided, single submitter. Criteria: Ambry Variant Classification Scheme 2023. Collection method: clinical testing. Allele origin: germline.

Myriad Genetics, Inc.
Classification: Benign for Sessile serrated polyposis cancer syndrome. Last evaluated: 2026-06-30. Review status: criteria provided, single submitter. Criteria: Myriad Autosomal Dominant, Autosomal Recessive and X-Linked Classification Criteria (2023). Collection method: clinical testing. Allele origin: unknown.
Comment: This variant is considered benign. This variant is a silent/synonymous amino acid change and it is not expected to impact splicing.